The following is an entry in ClinVar:

ClinVar aggregate classification (germline): Uncertain significance (1 of 4 stars; one submission).

Allele frequency attached by ClinVar (database versions not stated): gnomAD 0.00001; gnomAD exomes 0.00001; TOPMed 0.00001.
gnomAD v4.1: 8 of 1,549,612 alleles (0.00052%); highest among the groups gnomAD compares: Admixed American, 0.012%; no homozygotes.

Submission:

Labcorp Genetics (formerly Invitae), Labcorp
Classification: Uncertain significance. Last evaluated: 2024-01-12. Review status: criteria provided, single submitter. Criteria: Invitae Variant Classification Sherloc (09022015). Collection method: clinical testing. Allele origin: germline.
Comment: This sequence change replaces glutamic acid, which is acidic and polar, with glycine, which is neutral and non-polar, at codon 1371 of the MYH14 protein (p.Glu1371Gly). This variant is present in population databases (no rsID available, gnomAD 0.02%). This variant has not been reported in the literature in individuals affected with MYH14-related conditions. Advanced modeling of protein sequence and biophysical properties (such as structural, functional, and spatial information, amino acid conservation, physicochemical variation, residue mobility, and thermodynamic stability) performed at Invitae indicates that this missense variant is expected to disrupt MYH14 protein function with a positive predictive value of 80%. In summary, the available evidence is currently insufficient to determine the role of this variant in disease. Therefore, it has been classified as a Variant of Uncertain Significance.

NM_001145809.2(MYH14):c.4235A>G (p.Glu1412Gly)

Gene: MYH14 (myosin heavy chain 14; plus strand). Cytogenetic location: 19q13.33.
Variant type: single nucleotide variant.
Coding change: c.4235A>G on transcript NM_001145809.2 (MANE Select); coding-DNA position 4235, A replaced by G.
Protein change: p.Glu1412Gly; replaces glutamic acid 1412 with glycine.
Molecular consequence: missense variant.
Genome position (GRCh38, 1-based): chr19:50,280,328, A>G. VCF-style: chr19-50280328-A-G. GRCh37 (hg19) VCF-style: chr19-50783585-A-G.
Other names: c.4136A>G, p.Glu1379Gly (NM_001077186.2); c.4112A>G, p.Glu1371Gly (NM_024729.4); short protein forms E1371G, E1379G, E1412G.
Identifiers: ClinVar variation 3020412 (VCV003020412.3), dbSNP rs1192675912, ClinGen allele CA406957631.